The following is an entry in ClinVar:

NM_172107.4(KCNQ2):c.1023+6T>C

Gene: KCNQ2 (potassium voltage-gated channel subfamily Q member 2; minus strand). Cytogenetic location: 20q13.33.
Variant type: single nucleotide variant.
Coding change: c.1023+6T>C on transcript NM_172107.4 (MANE Select); 6 bases into the intron after coding-DNA position 1023, T replaced by C.
Molecular consequence: intron variant.
Genome position (GRCh38, 1-based): chr20:63,438,619, A>G on the plus strand (T>C on the coding strand, the complement: KCNQ2 is on the minus strand). VCF-style: chr20-63438619-A-G. GRCh37 (hg19) VCF-style: chr20-62069972-A-G.
Other names: c.1023+6T>C (NM_004518.6, NM_172108.5, NM_172106.3 and 2 more transcripts).
Identifiers: ClinVar variation 2027452 (VCV002027452.4), dbSNP rs2516408314, ClinGen allele CA2580098385.

ClinVar aggregate classification (germline): Uncertain significance (1 of 4 stars; one submission).

Conditions:
Early-infantile DEE. Also called: Ohtahara syndrome; Early infantile epileptic encephalopathy with suppression bursts; Early infantile epileptic encephalopathy. Identifiers: Orphanet 1934, MedGen C0393706, MONDO:0800491.

Submission:

Labcorp Genetics (formerly Invitae), Labcorp
Classification: Uncertain significance for Early-infantile DEE. Last evaluated: 2022-08-27. Review status: criteria provided, single submitter. Criteria: Invitae Variant Classification Sherloc (09022015). Collection method: clinical testing. Allele origin: germline.
Comment: This variant has not been reported in the literature in individuals affected with KCNQ2-related conditions. This variant is not present in population databases (gnomAD no frequency). This sequence change falls in intron 7 of the KCNQ2 gene. It does not directly change the encoded amino acid sequence of the KCNQ2 protein. It affects a nucleotide within the consensus splice site. In summary, the available evidence is currently insufficient to determine the role of this variant in disease. Therefore, it has been classified as a Variant of Uncertain Significance. Variants that disrupt the consensus splice site are a relatively common cause of aberrant splicing (PMID: 17576681, 9536098). Algorithms developed to predict the effect of sequence changes on RNA splicing suggest that this variant is not likely to affect RNA splicing.

Literature cited by the submitters: PubMed 17576681; PubMed 9536098.